The following is an entry in ClinVar:

ClinVar aggregate classification (germline): Conflicting classifications of pathogenicity. Review status: criteria provided, conflicting classifications (1 of 4 stars). 2 submissions from 2 submitters: Likely pathogenic (1); Uncertain significance (1). Last evaluated 2025-06-01.

Conditions:
Hearing impairment. Also called: Impaired Hearing. Identifiers: MedGen C1384666, MONDO:0005365, HP:0000365.

Allele frequency attached by ClinVar (database versions not stated): gnomAD exomes below 0.00001 and 0.00001; ExAC 0.00001.
gnomAD v4.1: 4 of 1,610,772 alleles (0.00025%); highest among the groups gnomAD compares: Non-Finnish European, 0.00034%; no homozygotes.

Submissions (2):

Labcorp Genetics (formerly Invitae), Labcorp
Classification: Uncertain significance. Last evaluated: 2025-06-01. Review status: criteria provided, single submitter. Criteria: Invitae Variant Classification Sherloc (09022015). Collection method: clinical testing. Allele origin: germline.
Comment: This sequence change affects a donor splice site in intron 7 of the CACNA1D gene. It is expected to disrupt RNA splicing. Variants that disrupt the donor or acceptor splice site typically lead to a loss of protein function (PMID: 16199547), however the current clinical and genetic evidence is not sufficient to establish whether loss-of-function variants in CACNA1D cause disease. This variant is present in population databases (rs747136766, gnomAD 0.002%). This variant has not been reported in the literature in individuals affected with CACNA1D-related conditions. ClinVar contains an entry for this variant (Variation ID: 1065112). Algorithms developed to predict the effect of sequence changes on RNA splicing suggest that this variant may disrupt the consensus splice site. In summary, the available evidence is currently insufficient to determine the role of this variant in disease. Therefore, it has been classified as a Variant of Uncertain Significance.

Department of Otolaryngology – Head & Neck Surgery, Cochlear Implant Center
Classification: Likely pathogenic for Hearing impairment. Last evaluated: 2021-04-12. Review status: criteria provided, single submitter. Criteria: ClinGen HL ACMG Specifications v1. Collection method: clinical testing. Allele origin: germline. Affected: yes.
Comment: PVS1_Strong, PM2_Moderate, BP5_Supporting

Literature cited by the submitters: PubMed 16199547 (cited by Labcorp Genetics (formerly Invitae), Labcorp).

NM_001128840.3(CACNA1D):c.1116+2T>C

Gene: CACNA1D (calcium voltage-gated channel subunit alpha1 D; plus strand). Cytogenetic location: 3p21.1.
Variant type: single nucleotide variant.
Coding change: c.1116+2T>C on transcript NM_001128840.3 (MANE Select); the canonical splice donor site of the intron after coding-DNA position 1116, T replaced by C.
Molecular consequence: splice donor variant.
Genome position (GRCh38, 1-based): chr3:53,666,537, T>C. VCF-style: chr3-53666537-T-C. GRCh37 (hg19) VCF-style: chr3-53700564-T-C.
Other names: c.1116+2T>C (NM_001128839.3, NM_000720.4).
Identifiers: ClinVar variation 1065112 (VCV001065112.8), dbSNP rs747136766, ClinGen allele CA2453822.